The following is an entry in ClinVar:

ClinVar aggregate classification (germline): Uncertain significance (1 of 4 stars; one submission).

Conditions:
Mitochondrial DNA depletion syndrome 13. Also called: FBXL4-Related Encephalomyopathic Mitochondrial DNA Depletion Syndrome; Mitochondrial DNA depletion syndrome 13 (encephalomyopathic type). Identifiers: Orphanet 369897, MedGen C3809592, MONDO:0014198, OMIM 615471.

Allele frequency attached by ClinVar (database versions not stated): gnomAD exomes below 0.00001 and 0.00001; ExAC 0.00002.

Submission:

Wong Mito Lab, Molecular and Human Genetics, Baylor College of Medicine
Classification: Uncertain significance for Mitochondrial DNA depletion syndrome 13. Last evaluated: 2017-08-10. Review status: criteria provided, single submitter. Criteria: ACMG Guidelines, 2015. Collection method: reference population. Allele origin: germline.
Comment: The NM_012160.4:c.1672T>G (NP_036292.2:p.Cys558Gly) [GRCH38: NC_000006.12:g.98875445A>C] variant in FBXL4 gene is interpretated to be a Uncertain Significance - Insufficient Evidence based on ACMG guidelines (PMID: 25741868). This variant meets one or more of the following evidence codes reported in the ACMG-guideline. PM2:This variant is absent in key population databases. Based on this evidence code ClinGen Pathogenicity Calculator (PMID:28081714) suggested that the variant is Uncertain Significance - Insufficient Evidence.

NM_001278716.2(FBXL4):c.1672T>G (p.Cys558Gly)

Gene: FBXL4 (F-box and leucine rich repeat protein 4; minus strand). Cytogenetic location: 6q16.1.
Variant type: single nucleotide variant.
Coding change: c.1672T>G on transcript NM_001278716.2 (MANE Select); coding-DNA position 1672, T replaced by G.
Protein change: p.Cys558Gly; replaces cysteine 558 with glycine.
Molecular consequence: missense variant. On other transcripts: non-coding transcript variant (1).
Genome position (GRCh38, 1-based): chr6:98,875,445, A>C on the plus strand (T>G on the coding strand, the complement: FBXL4 is on the minus strand). VCF-style: chr6-98875445-A-C. GRCh37 (hg19) VCF-style: chr6-99323321-A-C.
Other names: c.1672T>G, p.Cys558Gly (NM_012160.5); short protein forms C558G.
Identifiers: ClinVar variation 437785 (VCV000437785.1), dbSNP rs777442455, ClinGen allele CA3933407.